The following is an entry in ClinVar:

NM_194248.3(OTOF):c.4164del (p.Ser1389fs)

Gene: OTOF (otoferlin; minus strand). Cytogenetic location: 2p23.3.
Variant type: Deletion.
Coding change: c.4164del on transcript NM_194248.3 (MANE Select); coding-DNA position 4164, one base deleted (C; older notation c.4164delC).
Protein change: p.Ser1389fs; shifts the reading frame from serine 1389.
Molecular consequence: frameshift variant.
Genome position (GRCh38, 1-based): chr2:26,467,428, G deleted on the plus strand (C on the coding strand, the reverse complement: OTOF is on the minus strand). VCF-style (leftmost placement, unchanged base first): chr2-26467427-AG-A. GRCh37 (hg19) VCF-style: chr2-26690295-AG-A.
Other names: c.4164del, p.Ser1389fs (NM_001287489.2); c.1863del, p.Ser622fs (NM_004802.4, NM_194323.3); c.2094del, p.Ser699fs (NM_194322.3); short protein forms S1389fs, S622fs, S699fs.
Identifiers: ClinVar variation 4879958 (VCV004879958.1).
Genomic context (GRCh38, chr2:26,467,427, plus strand): 5'-TAAGCTCATCAATCTTGGGTTTCTTCTTCTCGGGGGCCTCGGACCCCTGGCCAGAGCCAG[AG>A]CTCTGAGTTTTCTTCTTCTTCTCCTCTTTGGCAGCCCTTGCCTTCTCCTTGCCCTTCATT-3'

ClinVar aggregate classification (germline): Likely pathogenic (0 of 4 stars; one submission).

Conditions:
Autosomal recessive nonsyndromic hearing loss 9. Also called: NEUROSENSORY NONSYNDROMIC RECESSIVE DEAFNESS 9; OTOF-Related Hearing Loss; Deafness, autosomal recessive 9; AUDITORY NEUROPATHY, AUTOSOMAL RECESSIVE, 1, TEMPERATURE-SENSITIVE. Identifiers: Orphanet 90636, MedGen C1832828, MONDO:0010986, OMIM 601071.

Submission:

Diagnosis and Treatment Center of Genetic Hearing Loss, Eye & ENT Hospital of Fudan University
Classification: Likely pathogenic for Autosomal recessive nonsyndromic hearing loss 9. Last evaluated: 2026-02-04. Review status: no assertion criteria provided. Collection method: clinical testing. Allele origin: germline. Inheritance: Autosomal recessive inheritance. Affected: yes.
Comment: The c.4164del frameshift variant in OTOF is predicted to cause protein truncation and NMD (PVS1). It is absent from population databases (PM2_Supporting).